The following is an entry in ClinVar:

ClinVar aggregate classification (germline): Uncertain significance (1 of 4 stars; one submission).

Conditions:
Cutis laxa, autosomal dominant 3 (ADCL3). Identifiers: Orphanet 90348, MedGen C4225268, MONDO:0014706, OMIM 616603.
de Barsy syndrome. Also called: Cutis laxa-corneal clouding-oligophrenia syndrome. Identifiers: Orphanet 2962, MedGen C0268354, MONDO:0017569.
Autosomal dominant spastic paraplegia type 9. Identifiers: MedGen C1832669, MONDO:0015091.

Allele frequency attached by ClinVar (database versions not stated): ExAC 0.00003; gnomAD 0.00003; TOPMed 0.00003; ESP Exome Variant Server 0.00015.
gnomAD v4.1: 8 of 1,614,100 alleles (0.0005%); highest among the groups gnomAD compares: African/African-American, 0.008%; no homozygotes.

Submission:

Labcorp Genetics (formerly Invitae), Labcorp
Classification: Uncertain significance for Autosomal dominant spastic paraplegia type 9; de Barsy syndrome; Cutis laxa, autosomal dominant 3. Last evaluated: 2024-07-12. Review status: criteria provided, single submitter. Criteria: Invitae Variant Classification Sherloc (09022015). Collection method: clinical testing. Allele origin: germline.
Comment: This sequence change replaces glutamine, which is neutral and polar, with arginine, which is basic and polar, at codon 568 of the ALDH18A1 protein (p.Gln568Arg). This variant is present in population databases (rs370563590, gnomAD 0.03%). This variant has not been reported in the literature in individuals affected with ALDH18A1-related conditions. ClinVar contains an entry for this variant (Variation ID: 2196630). Advanced modeling of protein sequence and biophysical properties (such as structural, functional, and spatial information, amino acid conservation, physicochemical variation, residue mobility, and thermodynamic stability) has been performed at Invitae for this missense variant, however the output from this modeling did not meet the statistical confidence thresholds required to predict the impact of this variant on ALDH18A1 protein function. In summary, the available evidence is currently insufficient to determine the role of this variant in disease. Therefore, it has been classified as a Variant of Uncertain Significance.

NM_002860.4(ALDH18A1):c.1703A>G (p.Gln568Arg)

Gene: ALDH18A1 (aldehyde dehydrogenase 18 family member A1; minus strand). Cytogenetic location: 10q24.1.
Variant type: single nucleotide variant.
Coding change: c.1703A>G on transcript NM_002860.4 (MANE Select); coding-DNA position 1703, A replaced by G.
Protein change: p.Gln568Arg; replaces glutamine 568 with arginine.
Molecular consequence: missense variant.
Genome position (GRCh38, 1-based): chr10:95,614,064, T>C on the plus strand (A>G on the coding strand, the complement: ALDH18A1 is on the minus strand). VCF-style: chr10-95614064-T-C. GRCh37 (hg19) VCF-style: chr10-97373821-T-C.
Other names: c.1697A>G, p.Gln566Arg (NM_001017423.2, NM_001323415.2); c.1370A>G, p.Gln457Arg (NM_001323412.2, NM_001323416.2); c.1703A>G, p.Gln568Arg (NM_001323413.2, NM_001323414.2); c.1598A>G, p.Gln533Arg (NM_001323417.2); c.1364A>G, p.Gln455Arg (NM_001323418.2); c.1067A>G, p.Gln356Arg (NM_001323419.2); short protein forms Q356R, Q533R, Q566R, Q455R, Q457R, Q568R.
Identifiers: ClinVar variation 2196630 (VCV002196630.4), dbSNP rs370563590, ClinGen allele CA5620243.